The following is an entry in ClinVar:

ClinVar aggregate classification (germline): Pathogenic (1 of 4 stars; one submission).

Conditions:
Bardet-Biedl syndrome (BBS). Identifiers: Orphanet 110, MedGen C0752166, MONDO:0015229.

Submission:

Labcorp Genetics (formerly Invitae), Labcorp
Classification: Pathogenic for Bardet-Biedl syndrome. Last evaluated: 2025-04-07. Review status: criteria provided, single submitter. Criteria: Invitae Variant Classification Sherloc (09022015). Collection method: clinical testing. Allele origin: germline.
Comment: This sequence change creates a premature translational stop signal (p.Tyr177*) in the BBS10 gene. While this is not anticipated to result in nonsense mediated decay, it is expected to disrupt the last 547 amino acid(s) of the BBS10 protein. This variant is not present in population databases (gnomAD no frequency). This premature translational stop signal has been observed in individual(s) with BBS10-related conditions (PMID: 33964006, 34940782). This variant disrupts a region of the BBS10 protein in which other variant(s) (p.Val707*) have been determined to be pathogenic (PMID: 20472660, 22773737, 25982971, 27486776). This suggests that this is a clinically significant region of the protein, and that variants that disrupt it are likely to be disease-causing. For these reasons, this variant has been classified as Pathogenic.

Literature cited by the submitters: PubMed 33964006; PubMed 34940782; PubMed 20472660; PubMed 22773737; PubMed 25982971; PubMed 27486776.

NM_024685.4(BBS10):c.531C>G (p.Tyr177Ter)

Gene: BBS10 (Bardet-Biedl syndrome 10; minus strand). Cytogenetic location: 12q21.2.
Variant type: single nucleotide variant.
Coding change: c.531C>G on transcript NM_024685.4 (MANE Select); coding-DNA position 531, C replaced by G.
Protein change: p.Tyr177Ter; replaces tyrosine 177 with a stop codon.
Molecular consequence: nonsense.
Genome position (GRCh38, 1-based): chr12:76,347,454, G>C on the plus strand (C>G on the coding strand, the complement: BBS10 is on the minus strand). VCF-style: chr12-76347454-G-C. GRCh37 (hg19) VCF-style: chr12-76741234-G-C.
Other names: short protein forms Y177*.
Identifiers: ClinVar variation 4716789 (VCV004716789.1).